The following is an entry in ClinVar:

NM_000051.4(ATM):c.5678C>G (p.Ser1893Ter)

Gene: ATM (ATM serine/threonine kinase; plus strand). Cytogenetic location: 11q22.3.
Variant type: single nucleotide variant.
Coding change: c.5678C>G on transcript NM_000051.4 (MANE Select); coding-DNA position 5678, C replaced by G.
Protein change: p.Ser1893Ter; replaces serine 1893 with a stop codon.
Molecular consequence: nonsense.
Genome position (GRCh38, 1-based): chr11:108,307,900, C>G. VCF-style: chr11-108307900-C-G. GRCh37 (hg19) VCF-style: chr11-108178627-C-G.
Other names: c.5678C>G, p.Ser1893Ter (NM_001351834.2); short protein forms S1893*.
Identifiers: ClinVar variation 4722226 (VCV004722226.2).

ClinVar aggregate classification (germline): Pathogenic. Review status: criteria provided, multiple submitters, no conflicts (2 of 4 stars). 2 submissions from 2 submitters: Pathogenic (2). Last evaluated 2025-12-22.

Conditions:
Ataxia-telangiectasia syndrome (AT). Also called: LOUIS-BAR SYNDROME; Cerebello-oculocutaneous telangiectasia; Immunodeficiency with ataxia telangiectasia; Ataxia-telangiectasia, complementation group D; AT, COMPLEMENTATION GROUP C; ATAXIA-TELANGIECTASIA, COMPLEMENTATION GROUP A. Identifiers: Orphanet 100, MedGen C0004135, MONDO:0008840, OMIM 208900.
Hereditary cancer-predisposing syndrome. Also called: Neoplastic Syndromes, Hereditary; Tumor predisposition; Hereditary Cancer Syndrome; Hereditary neoplastic syndrome. Identifiers: Orphanet 140162, MedGen C0027672, MeSH D009386, MONDO:0015356.

Submissions (2):

Ambry Genetics
Classification: Pathogenic for Hereditary cancer-predisposing syndrome. Last evaluated: 2025-12-22. Review status: criteria provided, single submitter. Criteria: Ambry Variant Classification Scheme 2023. Collection method: clinical testing. Allele origin: germline.
Comment: The p.S1893* pathogenic mutation (also known as c.5678C>G), located in coding exon 37 of the ATM gene, results from a C to G substitution at nucleotide position 5678. This changes the amino acid from a serine to a stop codon within coding exon 37. This variant is considered to be rare based on population cohorts in the Genome Aggregation Database (gnomAD). This alteration is expected to result in loss of function by premature protein truncation or nonsense-mediated mRNA decay. As such, this alteration is interpreted as a disease-causing mutation.

Labcorp Genetics (formerly Invitae), Labcorp
Classification: Pathogenic for Ataxia-telangiectasia syndrome. Last evaluated: 2025-12-14. Review status: criteria provided, single submitter. Criteria: Invitae Variant Classification Sherloc (09022015). Collection method: clinical testing. Allele origin: germline.
Comment: This sequence change creates a premature translational stop signal (p.Ser1893*) in the ATM gene. It is expected to result in an absent or disrupted protein product. Loss-of-function variants in ATM are known to be pathogenic (PMID: 23807571, 25614872). This variant is not present in population databases (gnomAD no frequency). This variant has not been reported in the literature in individuals affected with ATM-related conditions. For these reasons, this variant has been classified as Pathogenic.

Literature cited by the submitters: PubMed 23807571 (cited by Labcorp Genetics (formerly Invitae), Labcorp); PubMed 25614872 (cited by Labcorp Genetics (formerly Invitae), Labcorp).